The following is an entry in ClinVar:

ClinVar aggregate classification (germline): Uncertain significance (1 of 4 stars; one submission).

Conditions:
Familial thoracic aortic aneurysm and aortic dissection (TAAD). Also called: Thoracic aortic aneurysms and dissections. Identifiers: Orphanet 91387, MedGen C4707243, MONDO:0019625.

Submission:

Ambry Genetics
Classification: Uncertain significance for Familial thoracic aortic aneurysm and aortic dissection. Last evaluated: 2025-09-24. Review status: criteria provided, single submitter. Criteria: Ambry Variant Classification Scheme 2023. Collection method: clinical testing. Allele origin: germline.
Comment: The c.3590-2A>T intronic variant results from an A to T substitution two nucleotides upstream from coding exon 29 in the FBN1 gene. This variant was reported in individual(s) with features consistent with aortic aneurysm (Ambry internal data). Alterations that disrupt the canonical splice site are expected to result in aberrant splicing. In silico splice site analysis predicts that this alteration will weaken the native splice acceptor site and will result in the creation or strengthening of a novel splice acceptor site. A resulting transcript is predicted to be in-frame and is not expected to trigger nonsense-mediated mRNA decay; although, direct evidence is unavailable. This nucleotide position is highly conserved in available vertebrate species. Based on the available evidence, the clinical significance of this variant remains unclear.

NM_000138.5(FBN1):c.3590-2A>T

Gene: FBN1 (fibrillin 1; minus strand). Cytogenetic location: 15q21.1.
Variant type: single nucleotide variant.
Coding change: c.3590-2A>T on transcript NM_000138.5 (MANE Select); the canonical splice acceptor site of the intron before coding-DNA position 3590, A replaced by T.
Molecular consequence: splice acceptor variant.
Genome position (GRCh38, 1-based): chr15:48,485,498, T>A on the plus strand (A>T on the coding strand, the complement: FBN1 is on the minus strand). VCF-style: chr15-48485498-T-A. GRCh37 (hg19) VCF-style: chr15-48777695-T-A.
Other names: c.3590-2A>T (NM_001406716.1).
Identifiers: ClinVar variation 4635362 (VCV004635362.1).